The following is an entry in ClinVar:

NM_138694.4(PKHD1):c.2383C>T (p.Gln795Ter)

Gene: PKHD1 (PKHD1 ciliary IPT domain containing fibrocystin/polyductin; minus strand). Cytogenetic location: 6p12.2.
Variant type: single nucleotide variant.
Coding change: c.2383C>T on transcript NM_138694.4 (MANE Select); coding-DNA position 2383, C replaced by T.
Protein change: p.Gln795Ter; replaces glutamine 795 with a stop codon.
Molecular consequence: nonsense.
Genome position (GRCh38, 1-based): chr6:52,048,516, G>A on the plus strand (C>T on the coding strand, the complement: PKHD1 is on the minus strand). VCF-style: chr6-52048516-G-A. GRCh37 (hg19) VCF-style: chr6-51913314-G-A.
Other names: c.2383C>T, p.Gln795Ter (NM_170724.3); short protein forms Q795*.
Identifiers: ClinVar variation 3899966 (VCV003899966.1).

ClinVar aggregate classification (germline): Likely pathogenic (1 of 4 stars; one submission).

Conditions:
Autosomal recessive polycystic kidney disease (ARPKD). Also called: AR polycystic kidney disease. Identifiers: Orphanet 731, Orphanet 8378, MedGen C0085548, MeSH D017044, MONDO:0009889.

Submission:

Gharavi Laboratory, Columbia University
Classification: Likely pathogenic for Autosomal recessive polycystic kidney disease. Last evaluated: 2024-11-05. Review status: criteria provided, single submitter. Criteria: ACMG Guidelines, 2015. Collection method: case-control. Allele origin: germline. Affected: yes.
Comment: Compound heterozygote with NM_138694.4:c.664A>G

ENST00000340994